The following is an entry in ClinVar:

NM_002017.5(FLI1):c.150C>A (p.Pro50=)

Gene: FLI1 (Fli-1 proto-oncogene, ETS transcription factor; plus strand). Cytogenetic location: 11q24.3.
Variant type: single nucleotide variant.
Coding change: c.150C>A on transcript NM_002017.5 (MANE Select); coding-DNA position 150, C replaced by A.
Protein change: p.Pro50=; no amino-acid change (proline 50 retained).
Molecular consequence: synonymous variant. On other transcripts: 5 prime UTR variant (2).
Genome position (GRCh38, 1-based): chr11:128,758,246, C>A. VCF-style: chr11-128758246-C-A. GRCh37 (hg19) VCF-style: chr11-128628141-C-A.
Other names: c.51C>A, p.Pro17= (NM_001167681.3); c.-220C>A (NM_001271010.2); c.-71C>A (NM_001271012.2).
Identifiers: ClinVar variation 3039852 (VCV003039852.3), dbSNP rs969709718, ClinGen allele CA230620897.

ClinVar aggregate classification (germline): Likely benign. Review status: criteria provided, single submitter (1 of 4 stars). 2 submissions from 2 submitters: Likely benign (1). 1 of the submissions does not count toward it. Last evaluated 2024-07-19.

Conditions:
FLI1-related disorder. Also called: FLI1-related condition.

Allele frequency attached by ClinVar (database versions not stated): gnomAD exomes below 0.00001.
gnomAD v4.1: 6 of 1,613,486 alleles (0.00037%); highest among the groups gnomAD compares: African/African-American, 0.0067%; no homozygotes.

Submissions (2):

Blueprint Genetics
Classification: Likely benign. Last evaluated: 2024-07-19. Review status: criteria provided, single submitter. Criteria: ACMG Guidelines, 2015. Collection method: clinical testing. Allele origin: germline.

PreventionGenetics, part of Exact Sciences
Classification: Likely benign for FLI1-related condition. Last evaluated: 2019-10-28. Review status: no assertion criteria provided. Collection method: clinical testing. Allele origin: germline. Not counted in ClinVar's aggregate classification.
Comment: This variant is classified as likely benign based on ACMG/AMP sequence variant interpretation guidelines (Richards et al. 2015 PMID: 25741868, with internal and published modifications).